The following is an entry in ClinVar:

ClinVar aggregate classification (germline): Uncertain significance. Review status: criteria provided, multiple submitters, no conflicts (2 of 4 stars). 3 submissions from 3 submitters: Uncertain significance (3). Last evaluated 2024-09-12.

Conditions:
Hereditary cancer-predisposing syndrome. Also called: Hereditary Cancer Syndrome; Neoplastic Syndromes, Hereditary; Tumor predisposition; Hereditary neoplastic syndrome. Identifiers: Orphanet 140162, MedGen C0027672, MeSH D009386, MONDO:0015356.
Familial cancer of breast. Also called: BREAST CANCER, FAMILIAL; Hereditary breast cancer; hereditary breast carcinoma. Identifiers: Orphanet 227535, MedGen C0346153, MONDO:0016419, OMIM 114480. Disease mechanism: loss of function.

Allele frequency attached by ClinVar (database versions not stated): gnomAD exomes below 0.00001; TOPMed below 0.00001.
gnomAD v4.1: 2 of 1,612,434 alleles (0.00012%); highest among the groups gnomAD compares: Non-Finnish European, 0.00017%; no homozygotes.

Submissions (3):

Labcorp Genetics (formerly Invitae), Labcorp
Classification: Uncertain significance for Familial cancer of breast. Last evaluated: 2024-09-12. Review status: criteria provided, single submitter. Criteria: Invitae Variant Classification Sherloc (09022015). Collection method: clinical testing. Allele origin: germline.
Comment: This sequence change replaces valine, which is neutral and non-polar, with alanine, which is neutral and non-polar, at codon 85 of the BARD1 protein (p.Val85Ala). This variant is not present in population databases (gnomAD no frequency). This variant has not been reported in the literature in individuals affected with BARD1-related conditions. ClinVar contains an entry for this variant (Variation ID: 481392). An algorithm developed to predict the effect of missense changes on protein structure and function (PolyPhen-2) suggests that this variant is likely to be disruptive. In summary, the available evidence is currently insufficient to determine the role of this variant in disease. Therefore, it has been classified as a Variant of Uncertain Significance.

Ambry Genetics
Classification: Uncertain significance for Hereditary cancer-predisposing syndrome. Last evaluated: 2024-07-16. Review status: criteria provided, single submitter. Criteria: Ambry Variant Classification Scheme 2023. Collection method: clinical testing. Allele origin: germline.
Comment: The p.V85A variant (also known as c.254T>C), located in coding exon 3 of the BARD1 gene, results from a T to C substitution at nucleotide position 254. The valine at codon 85 is replaced by alanine, an amino acid with similar properties. This amino acid position is highly conserved in available vertebrate species. In addition, the in silico prediction for this alteration is inconclusive. Based on the available evidence, the clinical significance of this variant remains unclear.

Baylor Genetics
Classification: Uncertain significance for Familial cancer of breast. Last evaluated: 2023-11-29. Review status: criteria provided, single submitter. Criteria: ACMG Guidelines, 2015. Collection method: clinical testing. Allele origin: unknown.

NM_000465.4(BARD1):c.254T>C (p.Val85Ala)

Gene: BARD1 (BRCA1 associated RING domain 1; minus strand). Cytogenetic location: 2q35.
Variant type: single nucleotide variant.
Coding change: c.254T>C on transcript NM_000465.4 (MANE Select); coding-DNA position 254, T replaced by C.
Protein change: p.Val85Ala; replaces valine 85 with alanine.
Molecular consequence: missense variant. On other transcripts: non-coding transcript variant (1), intron variant (2).
Genome position (GRCh38, 1-based): chr2:214,792,407, A>G on the plus strand (T>C on the coding strand, the complement: BARD1 is on the minus strand). VCF-style: chr2-214792407-A-G. GRCh37 (hg19) VCF-style: chr2-215657131-A-G.
Other names: c.197T>C, p.Val66Ala (NM_001282543.2); c.254T>C, p.Val85Ala (NM_001282549.2); c.158+17005T>C (NM_001282548.2); c.215+4654T>C (NM_001282545.2); short protein forms V85A, V66A.
Identifiers: ClinVar variation 481392 (VCV000481392.16), dbSNP rs1553624812, ClinGen allele CA350461200.